The following is an entry in ClinVar:

NM_001184880.2(PCDH19):c.1823C>T (p.Thr608Ile)

Gene: PCDH19 (protocadherin 19; minus strand). Cytogenetic location: Xq22.1.
Variant type: single nucleotide variant.
Coding change: c.1823C>T on transcript NM_001184880.2 (MANE Select); coding-DNA position 1823, C replaced by T.
Protein change: p.Thr608Ile; replaces threonine 608 with isoleucine.
Molecular consequence: missense variant.
Genome position (GRCh38, 1-based): chrX:100,406,775, G>A on the plus strand (C>T on the coding strand, the complement: PCDH19 is on the minus strand). VCF-style: chrX-100406775-G-A. GRCh37 (hg19) VCF-style: chrX-99661773-G-A.
Other names: c.1823C>T, p.Thr608Ile (NM_001105243.2, NM_020766.3); short protein forms T608I.
Identifiers: ClinVar variation 2074701 (VCV002074701.6), dbSNP rs2520978166, ClinGen allele CA414001890.

ClinVar aggregate classification (germline): Uncertain significance. Review status: criteria provided, multiple submitters, no conflicts (2 of 4 stars). 2 submissions from 2 submitters: Uncertain significance (2). Last evaluated 2025-07-25.

Conditions:
X-linked complex neurodevelopmental disorder. Identifiers: MedGen CN294807, MONDO:0100148.
Developmental and epileptic encephalopathy, 9 (DEE9). Also called: PCDH19-Related X-Linked Female-Limited Epilepsy with Mental Retardation; Early infantile epileptic encephalopathy 9; EPILEPSY, FEMALE-RESTRICTED, WITH MENTAL RETARDATION; JUBERG-HELLMAN SYNDROME. Identifiers: Orphanet 101039, Orphanet 2076, MedGen C1848137, MONDO:0010246, OMIM 300088. Disease mechanism: loss of function.

Submissions (2):

Dasa
Classification: Uncertain significance for X-linked complex neurodevelopmental disorder. Last evaluated: 2025-07-25. Review status: criteria provided, single submitter. Criteria: DASA Assertion Criteria. Collection method: clinical testing. Allele origin: germline.
Comment: NM_001184880.2(PCDH19):c.1823C>T (p.Thr608Ile) is a missense variant that results in the substitution of threonine with isoleucine. The affected residue or protein region has prior evidence supporting clinical relevance. This variant is absent from population databases. Computational prediction algorithms are consistent with a benign effect. The currently available literature and clinical evidence are not sufficient to establish a definitive association between this variant and the reported condition. Therefore, this variant is classified as a variant of uncertain significance.

Labcorp Genetics (formerly Invitae), Labcorp
Classification: Uncertain significance for Developmental and epileptic encephalopathy, 9. Last evaluated: 2022-02-08. Review status: criteria provided, single submitter. Criteria: Invitae Variant Classification Sherloc (09022015). Collection method: clinical testing. Allele origin: germline.
Comment: This variant is not present in population databases (gnomAD no frequency). This sequence change replaces threonine, which is neutral and polar, with isoleucine, which is neutral and non-polar, at codon 608 of the PCDH19 protein (p.Thr608Ile). This variant has not been reported in the literature in individuals affected with PCDH19-related conditions. In summary, the available evidence is currently insufficient to determine the role of this variant in disease. Therefore, it has been classified as a Variant of Uncertain Significance. Advanced modeling of protein sequence and biophysical properties (such as structural, functional, and spatial information, amino acid conservation, physicochemical variation, residue mobility, and thermodynamic stability) performed at Invitae indicates that this missense variant is not expected to disrupt PCDH19 protein function.